The following is an entry in ClinVar:

NM_002161.6(IARS1):c.2746A>G (p.Ile916Val)

Gene: IARS1 (isoleucyl-tRNA synthetase 1; minus strand). Cytogenetic location: 9q22.31.
Variant type: single nucleotide variant.
Coding change: c.2746A>G on transcript NM_002161.6 (MANE Select); coding-DNA position 2746, A replaced by G.
Protein change: p.Ile916Val; replaces isoleucine 916 with valine.
Molecular consequence: missense variant. On other transcripts: non-coding transcript variant (1).
Genome position (GRCh38, 1-based): chr9:92,247,422, T>C on the plus strand (A>G on the coding strand, the complement: IARS1 is on the minus strand). VCF-style: chr9-92247422-T-C. GRCh37 (hg19) VCF-style: chr9-95009704-T-C.
Other names: c.2671A>G, p.Ile891Val (NM_001374299.1, NM_001374300.1, NM_001378584.1); c.2662A>G, p.Ile888Val (NM_001374301.1); c.2809A>G, p.Ile937Val (NM_001378569.1); c.2767A>G, p.Ile923Val (NM_001378571.1); c.2746A>G, p.Ile916Val (NM_001378572.1, NM_001378573.1, NM_001378574.1 and 9 more transcripts); c.2650A>G, p.Ile884Val (NM_001378582.1); c.2623A>G, p.Ile875Val (NM_001378583.1); short protein forms I888V, I875V, I891V, I916V, I923V, I937V, I884V.
Identifiers: ClinVar variation 2073012 (VCV002073012.4), dbSNP rs753480473, ClinGen allele CA5122106.

ClinVar aggregate classification (germline): Uncertain significance (1 of 4 stars; one submission).

Allele frequency attached by ClinVar (database versions not stated): gnomAD 0.00001; TOPMed 0.00001; ExAC 0.00004.
gnomAD v4.1: 17 of 1,614,084 alleles (0.0011%); highest among the groups gnomAD compares: Admixed American, 0.02%; no homozygotes.

Submission:

Labcorp Genetics (formerly Invitae), Labcorp
Classification: Uncertain significance. Last evaluated: 2026-01-05. Review status: criteria provided, single submitter. Criteria: Invitae Variant Classification Sherloc (09022015). Collection method: clinical testing. Allele origin: germline.
Comment: This sequence change replaces isoleucine, which is neutral and non-polar, with valine, which is neutral and non-polar, at codon 916 of the IARS protein (p.Ile916Val). This variant is present in population databases (rs753480473, gnomAD 0.03%). This variant has not been reported in the literature in individuals affected with IARS-related conditions. ClinVar contains an entry for this variant (Variation ID: 2073012). An algorithm developed to predict the effect of missense changes on protein structure and function outputs the following: PolyPhen-2: "Benign". The valine amino acid residue is found in multiple mammalian species, which suggests that this missense change does not adversely affect protein function. In summary, the available evidence is currently insufficient to determine the role of this variant in disease. Therefore, it has been classified as a Variant of Uncertain Significance.